The following is an entry in ClinVar:

ClinVar aggregate classification (germline): Uncertain significance (1 of 4 stars; one submission).

gnomAD v4.1: 5 of 1,607,374 alleles (0.00031%); highest among the groups gnomAD compares: Admixed American, 0.0034%; no homozygotes.

Submission:

Women's Health and Genetics/Laboratory Corporation of America, LabCorp
Classification: Uncertain significance. Last evaluated: 2025-03-27. Review status: criteria provided, single submitter. Criteria: LabCorp Variant Classification Summary - May 2015. Collection method: clinical testing. Allele origin: germline.
Comment: Variant summary: PIGN c.2663T>C (p.Ile888Thr) results in a non-conservative amino acid change in the encoded protein sequence. Four of five in-silico tools predict a damaging effect of the variant on protein function. The variant allele was found at a frequency of 8.3e-06 in 240878 control chromosomes. The available data on variant occurrences in the general population are insufficient to allow any conclusion about variant significance. c.2663T>C has been reported in the literature in an individual affected with Multiple Congenital Anomalies-Hypotonia Syndrome 1 (Jiao_2020). These data do not allow any conclusion about variant significance. To our knowledge, no experimental evidence demonstrating an impact on protein function has been reported. The following publication have been ascertained in the context of this evaluation (PMID: 32220244). No submitters have cited clinical-significance assessments for this variant to ClinVar. Based on the evidence outlined above, the variant was classified as uncertain significance.

Literature cited by the submitters: PubMed 32220244.

NM_176787.5(PIGN):c.2663T>C (p.Ile888Thr)

Gene: PIGN (phosphatidylinositol glycan anchor biosynthesis class N; minus strand). Cytogenetic location: 18q21.33.
Variant type: single nucleotide variant.
Coding change: c.2663T>C on transcript NM_176787.5 (MANE Select); coding-DNA position 2663, T replaced by C.
Protein change: p.Ile888Thr; replaces isoleucine 888 with threonine.
Molecular consequence: missense variant.
Genome position (GRCh38, 1-based): chr18:62,072,682, A>G on the plus strand (T>C on the coding strand, the complement: PIGN is on the minus strand). VCF-style: chr18-62072682-A-G. GRCh37 (hg19) VCF-style: chr18-59739915-A-G.
Other names: c.2663T>C, p.Ile888Thr (NM_012327.6); short protein forms I888T.
Identifiers: ClinVar variation 3895902 (VCV003895902.1).